The following is an entry in ClinVar:

ClinVar aggregate classification (germline): Uncertain significance. Review status: criteria provided, multiple submitters, no conflicts (2 of 4 stars). 2 submissions from 2 submitters: Uncertain significance (2). Last evaluated 2024-07-10.

Conditions:
Familial thoracic aortic aneurysm and aortic dissection (TAAD). Also called: Thoracic aortic aneurysms and dissections. Identifiers: Orphanet 91387, MedGen C4707243, MONDO:0019625.
Marfan syndrome (MFS). Also called: Marfan syndrome, classic; Marfan syndrome type 1; Marfan's syndrome; FBN1-Related Marfan Syndrome; MARFAN SYNDROME, TYPE I. Identifiers: Orphanet 284963, Orphanet 558, MedGen C0024796, MONDO:0007947, OMIM 154700.

Submissions (2):

All of Us Research Program, National Institutes of Health
Classification: Uncertain significance for Marfan syndrome. Last evaluated: 2024-07-10. Review status: criteria provided, single submitter. Criteria: ACMG Guidelines, 2015. Collection method: clinical testing. Allele origin: germline. Inheritance: Autosomal dominant inheritance. Observed: 1 variant allele, 1 heterozygote.
Comment: This missense variant replaces threonine with isoleucine at codon 2549 of the FBN1 protein. Computational prediction suggests that this variant may not impact protein structure and function (internally defined REVEL score threshold <= 0.5, PMID: 27666373). To our knowledge, functional studies have not been reported for this variant. This variant has not been reported in individuals affected with cardiovascular disorders in the literature. This variant has not been identified in the general population by the Genome Aggregation Database (gnomAD). The available evidence is insufficient to determine the role of this variant in disease conclusively. Therefore, this variant is classified as a Variant of Uncertain Significance.

This study involves interpretation of variants in research participants for the purpose of population health screening. Participant phenotype was not available at the time of variant classification. Additional details can be found in publication PMID: 35346344, PMCID: PMC8962531

Color Diagnostics, LLC DBA Color Health
Classification: Uncertain significance for Familial thoracic aortic aneurysm and aortic dissection. Last evaluated: 2024-03-06. Review status: criteria provided, single submitter. Criteria: ACMG Guidelines, 2015. Collection method: clinical testing. Allele origin: germline.
Comment: This missense variant replaces threonine with isoleucine at codon 2549 of the FBN1 protein. Computational prediction suggests that this variant may not impact protein structure and function (internally defined REVEL score threshold <= 0.5, PMID: 27666373). To our knowledge, functional studies have not been reported for this variant. This variant has not been reported in individuals affected with cardiovascular disorders in the literature. This variant has not been identified in the general population by the Genome Aggregation Database (gnomAD). The available evidence is insufficient to determine the role of this variant in disease conclusively. Therefore, this variant is classified as a Variant of Uncertain Significance.

NM_000138.5(FBN1):c.7646C>T (p.Thr2549Ile)

Gene: FBN1 (fibrillin 1; minus strand). Cytogenetic location: 15q21.1.
Variant type: single nucleotide variant.
Coding change: c.7646C>T on transcript NM_000138.5 (MANE Select); coding-DNA position 7646, C replaced by T.
Protein change: p.Thr2549Ile; replaces threonine 2549 with isoleucine.
Molecular consequence: missense variant.
Genome position (GRCh38, 1-based): chr15:48,421,611, G>A on the plus strand (C>T on the coding strand, the complement: FBN1 is on the minus strand). VCF-style: chr15-48421611-G-A. GRCh37 (hg19) VCF-style: chr15-48713808-G-A.
Other names: short protein forms T2549I.
Identifiers: ClinVar variation 922051 (VCV000922051.5), dbSNP rs2042942480, ClinGen allele CA392325140.
Genomic context (GRCh38, chr15:48,421,611, plus strand): 5'-CACCCACCTTCACAGCTGGAGCCGGTCTGATCAAGTGAGAATCCCCGCTGGCATTCACAG[G>A]TGAAGCTTCCAGGAGTGTTCTGGCAAATGCCCTTAGACCCGCACAGATTGATGTCAGAGG-3'
Protein context (NP_000129.3, residues 2539-2559): GICQNTPGSF[Thr2549Ile]CECQRGFSLD